The following is an entry in ClinVar:

ClinVar aggregate classification (germline): Uncertain significance (1 of 4 stars; one submission).

Conditions:
Niemann-Pick disease, type B. Also called: Chronic Visceral ASMD (Niemann-Pick Disease Type B; NPD-B). Identifiers: Orphanet 77293, MedGen C0268243, MONDO:0011871, OMIM 607616. Disease mechanism: loss of function.
Niemann-Pick disease, type A. Also called: SPHINGOMYELIN LIPIDOSIS; SPHINGOMYELINASE DEFICIENCY; Infantile Neurovisceral ASMD (Niemann-Pick Disease Type A; NPD-A). Identifiers: Orphanet 77292, MedGen C0268242, MONDO:0009756, OMIM 257200. Disease mechanism: loss of function.

Submission:

Labcorp Genetics (formerly Invitae), Labcorp
Classification: Uncertain significance for Niemann-Pick disease, type B; Niemann-Pick disease, type A. Last evaluated: 2025-05-27. Review status: criteria provided, single submitter. Criteria: Invitae Variant Classification Sherloc (09022015). Collection method: clinical testing. Allele origin: germline.
Comment: This sequence change falls in intron 3 of the SMPD1 gene. It does not directly change the encoded amino acid sequence of the SMPD1 protein. This variant is present in population databases (no rsID available, gnomAD 0.01%). This variant has been observed in individual(s) with clinical features of Niemann-Pick disease (PMID: 31122880). Algorithms developed to predict the effect of sequence changes on RNA splicing suggest that this variant may disrupt the consensus splice site. In summary, the available evidence is currently insufficient to determine the role of this variant in disease. Therefore, it has been classified as a Variant of Uncertain Significance.

Literature cited by the submitters: PubMed 31122880.

NM_000543.5(SMPD1):c.1263+8C>T

Gene: SMPD1 (sphingomyelin phosphodiesterase 1; plus strand). Cytogenetic location: 11p15.4.
Variant type: single nucleotide variant.
Coding change: c.1263+8C>T on transcript NM_000543.5 (MANE Select); 8 bases into the intron after coding-DNA position 1263, C replaced by T.
Molecular consequence: intron variant.
Genome position (GRCh38, 1-based): chr11:6,393,395, C>T. VCF-style: chr11-6393395-C-T. GRCh37 (hg19) VCF-style: chr11-6414625-C-T.
Other names: c.342+8C>T (NM_001318088.2); c.1132-222C>T (NM_001365135.2); c.1263+8C>T (NM_001318087.2); c.1260+8C>T (NM_001007593.3).
Identifiers: ClinVar variation 4788962 (VCV004788962.1).